The following is an entry in ClinVar:

NM_001206641.3(COA6):c.45G>A (p.Val15=)

Genes: COA6 (cytochrome c oxidase assembly factor 6; plus strand), COA6-AS1 (COA6 antisense RNA 1; minus strand). Cytogenetic location: 1q42.2.
Variant type: single nucleotide variant.
Coding change: c.45G>A on transcript NM_001206641.3 (MANE Select); coding-DNA position 45, G replaced by A.
Protein change: p.Val15=; no amino-acid change (valine 15 retained).
Molecular consequence: synonymous variant. On other transcripts: non-coding transcript variant (1).
Genome position (GRCh38, 1-based): chr1:234,373,511, G>A. VCF-style: chr1-234373511-G-A. GRCh37 (hg19) VCF-style: chr1-234509257-G-A.
Identifiers: ClinVar variation 3058720 (VCV003058720.2), dbSNP rs752001515, ClinGen allele CA1459914.

ClinVar aggregate classification (germline): Likely benign (0 of 4 stars; one submission).

Conditions:
COA6-related disorder. Also called: COA6-related condition.

gnomAD v4.1: 12 of 1,607,164 alleles (0.00075%); highest among the groups gnomAD compares: Admixed American, 0.019%; no homozygotes.

Submission:

PreventionGenetics, part of Exact Sciences
Classification: Likely benign for COA6-related condition. Last evaluated: 2020-03-09. Review status: no assertion criteria provided. Collection method: clinical testing. Allele origin: germline.
Comment: This variant is classified as likely benign based on ACMG/AMP sequence variant interpretation guidelines (Richards et al. 2015 PMID: 25741868, with internal and published modifications).